The following is an entry in ClinVar:

NM_024426.6(WT1):c.627C>G (p.Ser209Arg)

Genes: WT1 (WT1 transcription factor; minus strand), LOC107982234 (WT1/WT1-AS bi-directional promoter region; plus strand). Cytogenetic location: 11p13.
Variant type: single nucleotide variant.
Coding change: c.627C>G on transcript NM_024426.6 (MANE Select); coding-DNA position 627, C replaced by G.
Protein change: p.Ser209Arg; replaces serine 209 with arginine.
Molecular consequence: missense variant. On other transcripts: non-coding transcript variant (1).
Genome position (GRCh38, 1-based): chr11:32,434,734, G>C on the plus strand (C>G on the coding strand, the complement: WT1 is on the minus strand). VCF-style: chr11-32434734-G-C. GRCh37 (hg19) VCF-style: chr11-32456280-G-C.
Other names: c.627C>G, p.Ser209Arg (NM_000378.6, NM_024424.5); c.612C>G (NM_024426.4); short protein forms S209R.
Identifiers: ClinVar variation 1376458 (VCV001376458.8), dbSNP rs761530541, ClinGen allele CA219510805.

ClinVar aggregate classification (germline): Uncertain significance. Review status: criteria provided, multiple submitters, no conflicts (2 of 4 stars). 2 submissions from 2 submitters: Uncertain significance (2). Last evaluated 2025-02-28.

Conditions:
Wilms tumor 1 (WT1). Also called: Wilms tumor, somatic. Identifiers: Orphanet 654, MedGen CN033288, MONDO:0008679, OMIM 194070.
11p partial monosomy syndrome (WAGR). Also called: CHROMOSOME 11p13 DELETION SYNDROME; WAGR syndrome; WAGR Complex; WAGR Spectrum Disorder. Identifiers: Orphanet 893, MedGen C0206115, MONDO:0008681, OMIM 194072.
Frasier syndrome. Identifiers: Orphanet 347, MedGen C0950122, MeSH D052159, MONDO:0007635, OMIM 136680.
Drash syndrome (DDS). Also called: NEPHROPATHY, WILMS TUMOR, AND GENITAL ANOMALIES; WILMS TUMOR AND PSEUDO- OR TRUE HERMAPHRODITISM. Identifiers: Orphanet 220, MedGen C0950121, MONDO:0008682, OMIM 194080.
Inborn genetic diseases. Identifiers: MedGen C0950123, MeSH D030342.

Allele frequency attached by ClinVar (database versions not stated): gnomAD 0.00001; TOPMed 0.00001.
gnomAD v4.1: 32 of 1,612,912 alleles (0.002%); highest among the groups gnomAD compares: Non-Finnish European, 0.0027%; no homozygotes.

Submissions (2):

Ambry Genetics
Classification: Uncertain significance for Inborn genetic diseases. Last evaluated: 2025-02-28. Review status: criteria provided, single submitter. Criteria: Ambry Variant Classification Scheme 2023. Collection method: clinical testing. Allele origin: germline.
Comment: The p.S204R variant (also known as c.612C>G), located in coding exon 1 of the WT1 gene, results from a C to G substitution at nucleotide position 612. The serine at codon 204 is replaced by arginine, an amino acid with dissimilar properties. This amino acid position is conserved. In addition, this alteration is predicted to be tolerated by in silico analysis. Based on the available evidence, the clinical significance of this variant remains unclear.

Labcorp Genetics (formerly Invitae), Labcorp
Classification: Uncertain significance for Wilms tumor 1; Drash syndrome; 11p partial monosomy syndrome; Frasier syndrome. Last evaluated: 2024-09-06. Review status: criteria provided, single submitter. Criteria: Invitae Variant Classification Sherloc (09022015). Collection method: clinical testing. Allele origin: germline.
Comment: This sequence change replaces serine, which is neutral and polar, with arginine, which is basic and polar, at codon 204 of the WT1 protein (p.Ser204Arg). This variant is not present in population databases (gnomAD no frequency). This variant has not been reported in the literature in individuals affected with WT1-related conditions. ClinVar contains an entry for this variant (Variation ID: 1376458). An algorithm developed to predict the effect of missense changes on protein structure and function (PolyPhen-2) suggests that this variant¬¨‚Ä†is likely to be tolerated. In summary, the available evidence is currently insufficient to determine the role of this variant in disease. Therefore, it has been classified as a Variant of Uncertain Significance.